The following is an entry in ClinVar:

NM_001110556.2(FLNA):c.2179G>A (p.Gly727Ser)

Gene: FLNA (filamin A; minus strand). Cytogenetic location: Xq28.
Variant type: single nucleotide variant.
Coding change: c.2179G>A on transcript NM_001110556.2 (MANE Select); coding-DNA position 2179, G replaced by A.
Protein change: p.Gly727Ser; replaces glycine 727 with serine.
Molecular consequence: missense variant.
Genome position (GRCh38, 1-based): chrX:154,364,123, C>T on the plus strand (G>A on the coding strand, the complement: FLNA is on the minus strand). VCF-style: chrX-154364123-C-T. GRCh37 (hg19) VCF-style: chrX-153592491-C-T.
Other names: c.2179G>A, p.Gly727Ser (NM_001456.4); short protein forms G727S.
Identifiers: ClinVar variation 1394429 (VCV001394429.10), dbSNP rs1460177575, ClinGen allele CA415238049.
Genomic context (GRCh38, chrX:154,364,123, plus strand): 5'-CCATGGCTGTGTGCTTCACCGGCTTCCTGGGCACGTAGGAGCAGCTGTAAGTGCCATTGC[C>T]GTTGTCCTTGACCAACGCCTCCACAGGGCAGCCTTCATTGTCCTGTCAGGCAGATAGGAG-3'
Protein context (NP_001104026.1, residues 717-737): CPVEALVKDN[Gly727Ser]NGTYSCSYVP

ClinVar aggregate classification (germline): Uncertain significance. Review status: criteria provided, multiple submitters, no conflicts (2 of 4 stars). 3 submissions from 3 submitters: Uncertain significance (3). Last evaluated 2026-04-16.

Conditions:
Heterotopia, periventricular, X-linked dominant (PVNH1). Also called: PERIVENTRICULAR NODULAR HETEROTOPIA 4; HETEROTOPIA, PERIVENTRICULAR, 1; PERIVENTRICULAR NODULAR HETEROTOPIA 1; X-linked periventricular heterotopia. Identifiers: Orphanet 2149, Orphanet 82004, MedGen C1848213, MONDO:0010233, OMIM 300049.
Melnick-Needles syndrome (MNS). Also called: MELNICK-NEEDLES OSTEODYSPLASTY; OSTEODYSPLASTY OF MELNICK AND NEEDLES; Melnick-Needles Syndrome (FLNA-MNS). Identifiers: Orphanet 2484, MedGen C0025237, MONDO:0010650, OMIM 309350.
Oto-palato-digital syndrome, type II (OPD2). Also called: FACIOPALATOOSSEOUS SYNDROME; OPD II SYNDROME; Otopalatodigital Syndrome Type 2 (FLNA-OPD2); Otopalatodigital Syndrome, Type II. Identifiers: Orphanet 669, Orphanet 90652, MedGen C1844696, MONDO:0010571, OMIM 304120.
Frontometaphyseal dysplasia (FMD1). Identifiers: Orphanet 1826, MedGen C0265293, MONDO:0015942.
Familial thoracic aortic aneurysm and aortic dissection (TAAD). Also called: Thoracic aortic aneurysms and dissections. Identifiers: Orphanet 91387, MedGen C4707243, MONDO:0019625.

Allele frequency attached by ClinVar (database versions not stated): gnomAD exomes 0.00001; TOPMed 0.00002; gnomAD 0.00002.
gnomAD v4.1: 11 of 1,209,549 alleles (0.00091%); highest among the groups gnomAD compares: African/African-American, 0.0035%; no homozygotes.

Submissions (3):

Ambry Genetics
Classification: Uncertain significance for Familial thoracic aortic aneurysm and aortic dissection. Last evaluated: 2026-04-16. Review status: criteria provided, single submitter. Criteria: Ambry Variant Classification Scheme 2023. Collection method: clinical testing. Allele origin: germline.

Labcorp Genetics (formerly Invitae), Labcorp
Classification: Uncertain significance for Oto-palato-digital syndrome, type II; Heterotopia, periventricular, X-linked dominant; Frontometaphyseal dysplasia; Melnick-Needles syndrome. Last evaluated: 2024-08-19. Review status: criteria provided, single submitter. Criteria: Invitae Variant Classification Sherloc (09022015). Collection method: clinical testing. Allele origin: germline.
Comment: This sequence change replaces glycine, which is neutral and non-polar, with serine, which is neutral and polar, at codon 727 of the FLNA protein (p.Gly727Ser). This variant is not present in population databases (gnomAD no frequency). This missense change has been observed in individual(s) with FLNA-related conditions (PMID: 31069529, 32738303, 33448881). ClinVar contains an entry for this variant (Variation ID: 1394429). Invitae Evidence Modeling of protein sequence and biophysical properties (such as structural, functional, and spatial information, amino acid conservation, physicochemical variation, residue mobility, and thermodynamic stability) indicates that this missense variant is not expected to disrupt FLNA protein function with a negative predictive value of 95%. In summary, the available evidence is currently insufficient to determine the role of this variant in disease. Therefore, it has been classified as a Variant of Uncertain Significance.

GeneDx
Classification: Uncertain significance. Last evaluated: 2023-06-14. Review status: criteria provided, single submitter. Criteria: GeneDx Variant Classification Process June 2021. Collection method: clinical testing. Allele origin: germline. Affected: yes.
Comment: Not observed at significant frequency in large population cohorts (gnomAD); In silico analysis supports that this missense variant has a deleterious effect on protein structure/function; This variant is associated with the following publications: (PMID: 33448881, 32738303, 31069529)

Literature cited by the submitters: PubMed 31069529 (cited by Labcorp Genetics (formerly Invitae), Labcorp); PubMed 32738303 (cited by Labcorp Genetics (formerly Invitae), Labcorp); PubMed 33448881 (cited by Labcorp Genetics (formerly Invitae), Labcorp).